The following is an entry in ClinVar:

NM_001371623.1(TCOF1):c.4062del (p.Gln1354fs)

Gene: TCOF1 (treacle ribosome biogenesis factor 1; plus strand). Cytogenetic location: 5q32.
Variant type: Deletion.
Coding change: c.4062del on transcript NM_001371623.1 (MANE Select); coding-DNA position 4062, one base deleted (G; older notation c.4062delG).
Protein change: p.Gln1354fs; shifts the reading frame from glutamine 1354.
Molecular consequence: frameshift variant.
Genome position (GRCh38, 1-based): chr5:150,396,559, G deleted. VCF-style (leftmost placement, unchanged base first): chr5-150396558-AG-A. GRCh37 (hg19) VCF-style: chr5-149776121-AG-A.
Other names: c.3828del, p.Gln1276fs (NM_000356.4, NM_001437406.1); c.4059del, p.Gln1353fs (NM_001135243.2); c.3948del, p.Gln1316fs (NM_001135244.2); c.3831del, p.Gln1277fs (NM_001135245.2); c.3945del, p.Gln1315fs (NM_001195141.2); short protein forms Q1276fs, Q1277fs, Q1315fs, Q1316fs, Q1353fs, Q1354fs.
Identifiers: ClinVar variation 4729347 (VCV004729347.1).
Genomic context (GRCh38, chr5:150,396,558, plus strand): 5'-CCACCAAGGAGAGCAGCAGGAAGGGCTGGGAGAGCCGCAAGCGGAAGCTATCGGGAGACC[AG>A]CCAGCTGCCAGGACCCCCAGGAGCAAGAAGAAGAAGAAGCTGGGGGCCGGGGAAGGTGGG-3'

ClinVar aggregate classification (germline): Pathogenic (1 of 4 stars; one submission).

Conditions:
Treacher Collins syndrome 1 (TCS1). Also called: TCOF1-Related Treacher Collins Syndrome. Identifiers: Orphanet 861, MedGen CN315775, MONDO:0007944, OMIM 154500.

Submission:

Labcorp Genetics (formerly Invitae), Labcorp
Classification: Pathogenic for Treacher Collins syndrome 1. Last evaluated: 2025-10-16. Review status: criteria provided, single submitter. Criteria: Invitae Variant Classification Sherloc (09022015). Collection method: clinical testing. Allele origin: germline.
Comment: This sequence change is expected to alter the c-terminus of the TCOF1 protein (p.Gln1353Hisfs*222). While this is not anticipated to result in nonsense mediated decay, it is expected to disrupt the last 136 amino acid(s) of the TCOF1 protein and extend the protein by 85 additional amino acid residues. This variant is not present in population databases (gnomAD no frequency). This variant has not been reported in the literature in individuals affected with TCOF1-related conditions. This variant results in an extension of the TCOF1 protein. Other variant(s) that result in a similarly extended protein product (p.Glu1453Lysfs*121) have been determined to be pathogenic (internal data). This suggests that these extensions are likely to be disease-causing. For these reasons, this variant has been classified as Pathogenic.